The following is an entry in ClinVar:

ClinVar aggregate classification (germline): Uncertain significance. Review status: criteria provided, multiple submitters, no conflicts (2 of 4 stars). 2 submissions from 2 submitters: Uncertain significance (2). Last evaluated 2022-11-03.

Allele frequency attached by ClinVar (database versions not stated): gnomAD exomes 0.00001 and 0.00007; ExAC 0.00002; gnomAD 0.00002; TOPMed 0.00002.
gnomAD v4.1: 107 of 1,613,906 alleles (0.0066%); highest among the groups gnomAD compares: Non-Finnish European, 0.0083%; no homozygotes.

Submissions (2):

Blueprint Genetics
Classification: Uncertain significance. Last evaluated: 2022-11-03. Review status: criteria provided, single submitter. Criteria: ACMG Guidelines, 2015. Collection method: clinical testing. Allele origin: germline.

Labcorp Genetics (formerly Invitae), Labcorp
Classification: Uncertain significance. Last evaluated: 2021-09-02. Review status: criteria provided, single submitter. Criteria: Invitae Variant Classification Sherloc (09022015). Collection method: clinical testing. Allele origin: germline.
Comment: This sequence change replaces valine with methionine at codon 248 of the MERTK protein (p.Val248Met). The valine residue is highly conserved and there is a small physicochemical difference between valine and methionine. The frequency data for this variant in the population databases is considered unreliable, as metrics indicate poor data quality at this position in the ExAC database. This variant has not been reported in the literature in individuals affected with MERTK-related conditions. Algorithms developed to predict the effect of missense changes on protein structure and function are either unavailable or do not agree on the potential impact of this missense change (SIFT: "Deleterious"; PolyPhen-2: "Probably Damaging"; Align-GVGD: "Class C15"). In summary, the available evidence is currently insufficient to determine the role of this variant in disease. Therefore, it has been classified as a Variant of Uncertain Significance.

NM_006343.3(MERTK):c.742G>A (p.Val248Met)

Gene: MERTK (MER proto-oncogene, tyrosine kinase; plus strand). Cytogenetic location: 2q13.
Variant type: single nucleotide variant.
Coding change: c.742G>A on transcript NM_006343.3 (MANE Select); coding-DNA position 742, G replaced by A.
Protein change: p.Val248Met; replaces valine 248 with methionine.
Molecular consequence: missense variant.
Genome position (GRCh38, 1-based): chr2:111,947,552, G>A. VCF-style: chr2-111947552-G-A. GRCh37 (hg19) VCF-style: chr2-112705129-G-A.
Other names: short protein forms V248M.
Identifiers: ClinVar variation 1020622 (VCV001020622.7), dbSNP rs769030123, ClinGen allele CA1831135.